The following is an entry in ClinVar:

ClinVar aggregate classification (germline): Uncertain significance. Review status: criteria provided, multiple submitters, no conflicts (2 of 4 stars). 2 submissions from 2 submitters: Uncertain significance (2). Last evaluated 2025-03-16.

Conditions:
Hereditary cancer-predisposing syndrome. Also called: Hereditary neoplastic syndrome; Neoplastic Syndromes, Hereditary; Tumor predisposition; Hereditary Cancer Syndrome. Identifiers: Orphanet 140162, MedGen C0027672, MeSH D009386, MONDO:0015356.
Ataxia-telangiectasia syndrome (AT). Also called: Ataxia-telangiectasia, complementation group D; AT, COMPLEMENTATION GROUP C; ATAXIA-TELANGIECTASIA, COMPLEMENTATION GROUP A; ATAXIA-TELANGIECTASIA, FRESNO VARIANT; Ataxia-telangiectasia; Cerebello-oculocutaneous telangiectasia. Identifiers: Orphanet 100, MedGen C0004135, MONDO:0008840, OMIM 208900.

Submissions (2):

Labcorp Genetics (formerly Invitae), Labcorp
Classification: Uncertain significance for Ataxia-telangiectasia syndrome. Last evaluated: 2025-03-16. Review status: criteria provided, single submitter. Criteria: Invitae Variant Classification Sherloc (09022015). Collection method: clinical testing. Allele origin: germline.
Comment: This sequence change replaces leucine, which is neutral and non-polar, with phenylalanine, which is neutral and non-polar, at codon 9 of the ATM protein (p.Leu9Phe). This variant is not present in population databases (gnomAD no frequency). This missense change has been observed in individual(s) with breast cancer (PMID: 33646313). ClinVar contains an entry for this variant (Variation ID: 1000339). Invitae Evidence Modeling of protein sequence and biophysical properties (such as structural, functional, and spatial information, amino acid conservation, physicochemical variation, residue mobility, and thermodynamic stability) indicates that this missense variant is not expected to disrupt ATM protein function with a negative predictive value of 95%. In summary, the available evidence is currently insufficient to determine the role of this variant in disease. Therefore, it has been classified as a Variant of Uncertain Significance.

Ambry Genetics
Classification: Uncertain significance for Hereditary cancer-predisposing syndrome. Last evaluated: 2024-09-22. Review status: criteria provided, single submitter. Criteria: Ambry Variant Classification Scheme 2023. Collection method: clinical testing. Allele origin: germline.
Comment: The p.L9F variant (also known as c.25C>T), located in coding exon 1 of the ATM gene, results from a C to T substitution at nucleotide position 25. The leucine at codon 9 is replaced by phenylalanine, an amino acid with highly similar properties. This variant was reported in an individual with features consistent with ATM-related tumor predisposition (George SHL et al. JAMA Netw Open, 2021 Mar;4:e210307). This amino acid position is highly conserved in available vertebrate species. In addition, this alteration is predicted to be tolerated by in silico analysis. Based on the available evidence, the clinical significance of this variant remains unclear.

Literature cited by the submitters: PubMed 33646313 (cited by Labcorp Genetics (formerly Invitae), Labcorp and Ambry Genetics).

NM_000051.4(ATM):c.25C>T (p.Leu9Phe)

Gene: ATM (ATM serine/threonine kinase; plus strand). Cytogenetic location: 11q22.3.
Variant type: single nucleotide variant.
Coding change: c.25C>T on transcript NM_000051.4 (MANE Select); coding-DNA position 25, C replaced by T.
Protein change: p.Leu9Phe; replaces leucine 9 with phenylalanine.
Molecular consequence: missense variant.
Genome position (GRCh38, 1-based): chr11:108,227,649, C>T. VCF-style: chr11-108227649-C-T. GRCh37 (hg19) VCF-style: chr11-108098376-C-T.
Other names: c.25C>T (NM_000051.3); c.25C>T, p.Leu9Phe (NM_001351834.2, NM_001351835.2, NM_001351836.2); short protein forms L9F.
Identifiers: ClinVar variation 1000339 (VCV001000339.9), dbSNP rs2078806539, ClinGen allele CA382519034.